The following is an entry in ClinVar:

ClinVar aggregate classification (germline): Pathogenic/Likely pathogenic. Review status: criteria provided, multiple submitters, no conflicts (2 of 4 stars). 5 submissions from 4 submitters: Pathogenic (1); Likely pathogenic (2). 2 of the submissions do not count toward it. Last evaluated 2024-04-30.

Conditions:
Heimler syndrome 1 (HMLR1). Also called: PEROXISOME BIOGENESIS DISORDER 1C. Identifiers: Orphanet 3220, MedGen C4551980, OMIM 234580, MONDO:0024544.
Zellweger spectrum disorders (ZS). Also called: Zellweger Spectrum Disorder (ZSD); Zellweger Spectrum Disorder; Zellweger Spectrum; Zellweger syndrome. Identifiers: Orphanet 912, MedGen C0043459, MONDO:0019609.
Peroxisome biogenesis disorder 1B (PBD1B). Also called: Refsum disease, infantile form; Infantile Refsum disease; Infantile form of phytanic acid storage disease; PEROXISOME BIOGENESIS DISORDER (NEONATAL ADRENOLEUKODYSTROPHY/INFANTILE REFSUM DISEASE); INFANTILE PHYTANIC ACID STORAGE DISEASE; PEROXISOME BIOGENESIS DISORDER (NALD/IRD). Identifiers: Orphanet 44, MedGen C0282527, MONDO:0011101, OMIM 601539.
Peroxisome biogenesis disorder 1A (Zellweger) (PBD1A). Also called: Zellweger leukodystrophy; Peroxisome biogenesis disorder 1a. Identifiers: MedGen C4721541, MONDO:0008953, OMIM 214100.

Allele frequency attached by ClinVar (database versions not stated): gnomAD exomes below 0.00001.
gnomAD v4.1: 5 of 1,613,330 alleles (0.00031%); highest among the groups gnomAD compares: East Asian, 0.0022%; no homozygotes.

Submissions (5):

Natera, Inc.
Classification: Likely pathogenic for Zellweger syndrome. Last evaluated: 2024-04-30. Review status: criteria provided, single submitter. Criteria: Natera Variant Classification Schema (03/2026). Collection method: clinical testing. Allele origin: germline.
Comment: The c.2137C>T variant in PEX1 is a nonsense variant predicted to introduce a stop codon at amino acid 713. This variant is expected to result in nonsense mediated decay, truncation, or a dysfunctional protein product. This variant is rare in the general population with a frequency below the threshold expected for the associated phenotype(s). Given the available evidence, this variant is classified as Likely Pathogenic.

Baylor Genetics
Classification: Likely pathogenic for Heimler syndrome 1. Last evaluated: 2023-10-21. Review status: criteria provided, single submitter. Criteria: ACMG Guidelines, 2015. Collection method: clinical testing. Allele origin: unknown.

Labcorp Genetics (formerly Invitae), Labcorp
Classification: Pathogenic for Zellweger spectrum disorders. Last evaluated: 2023-05-11. Review status: criteria provided, single submitter. Criteria: Invitae Variant Classification Sherloc (09022015). Collection method: clinical testing. Allele origin: germline.
Comment: This sequence change creates a premature translational stop signal (p.Gln713*) in the PEX1 gene. It is expected to result in an absent or disrupted protein product. Loss-of-function variants in PEX1 are known to be pathogenic (PMID: 9398847, 16086329, 16141001, 21031596, 26387595, 31831025). This variant is not present in population databases (gnomAD no frequency). This variant has not been reported in the literature in individuals affected with PEX1-related conditions. ClinVar contains an entry for this variant (Variation ID: 371699). For these reasons, this variant has been classified as Pathogenic.

Counsyl
Classification: Likely pathogenic for Peroxisome biogenesis disorder 1A (Zellweger). Last evaluated: 2015-12-28. Review status: no assertion criteria provided. Collection method: clinical testing. Allele origin: unknown. Not counted in ClinVar's aggregate classification.

Counsyl
Classification: Likely pathogenic for Peroxisome biogenesis disorder 1B. Last evaluated: 2015-12-28. Review status: no assertion criteria provided. Collection method: clinical testing. Allele origin: unknown. Not counted in ClinVar's aggregate classification.

Literature cited by the submitters: PubMed 9398847 (cited by Labcorp Genetics (formerly Invitae), Labcorp); PubMed 16086329 (cited by Labcorp Genetics (formerly Invitae), Labcorp); PubMed 16141001 (cited by Labcorp Genetics (formerly Invitae), Labcorp); PubMed 21031596 (cited by Labcorp Genetics (formerly Invitae), Labcorp); PubMed 26387595 (cited by Labcorp Genetics (formerly Invitae), Labcorp); PubMed 31831025 (cited by Labcorp Genetics (formerly Invitae), Labcorp).

NM_000466.3(PEX1):c.2137C>T (p.Gln713Ter)

Gene: PEX1 (peroxisomal biogenesis factor 1; minus strand). Cytogenetic location: 7q21.2.
Variant type: single nucleotide variant.
Coding change: c.2137C>T on transcript NM_000466.3 (MANE Select); coding-DNA position 2137, C replaced by T.
Protein change: p.Gln713Ter; replaces glutamine 713 with a stop codon.
Molecular consequence: nonsense.
Genome position (GRCh38, 1-based): chr7:92,503,130, G>A on the plus strand (C>T on the coding strand, the complement: PEX1 is on the minus strand). VCF-style: chr7-92503130-G-A. GRCh37 (hg19) VCF-style: chr7-92132444-G-A.
Other names: c.1966C>T, p.Gln656Ter (NM_001282677.2); c.1513C>T, p.Gln505Ter (NM_001282678.2); short protein forms Q713*, Q505*, Q656*.
Identifiers: ClinVar variation 371699 (VCV000371699.9), dbSNP rs1057517468, ClinGen allele CA16041155.